The following is an entry in ClinVar:

ClinVar aggregate classification (germline): Uncertain significance (1 of 4 stars; one submission).

Submission:

Ambry Genetics
Classification: Uncertain significance. Last evaluated: 2025-09-19. Review status: criteria provided, single submitter. Criteria: Ambry Variant Classification Scheme 2023. Collection method: clinical testing. Allele origin: germline.
Comment: The p.A973V variant (also known as c.2918C>T), located in coding exon 26 of the KIF1B gene, results from a C to T substitution at nucleotide position 2918. The alanine at codon 973 is replaced by valine, an amino acid with similar properties. This amino acid position is conserved. In addition, the in silico prediction for this alteration is inconclusive. Based on the available evidence, the clinical significance of this variant remains unclear.

NM_001365951.3(KIF1B):c.3056C>T (p.Ala1019Val)

Gene: KIF1B (kinesin family member 1B; plus strand). Cytogenetic location: 1p36.22.
Variant type: single nucleotide variant.
Coding change: c.3056C>T on transcript NM_001365951.3 (MANE Select); coding-DNA position 3056, C replaced by T.
Protein change: p.Ala1019Val; replaces alanine 1019 with valine.
Molecular consequence: missense variant.
Genome position (GRCh38, 1-based): chr1:10,336,669, C>T. VCF-style: chr1-10336669-C-T. GRCh37 (hg19) VCF-style: chr1-10396727-C-T.
Other names: c.3056C>T, p.Ala1019Val (NM_001365952.1); c.2918C>T, p.Ala973Val (NM_015074.3); short protein forms A973V, A1019V.
Identifiers: ClinVar variation 4543621 (VCV004543621.1).